The following is an entry in ClinVar:

ClinVar aggregate classification (germline): Likely benign. Review status: criteria provided, multiple submitters, no conflicts (2 of 4 stars). 2 submissions from 2 submitters: Likely benign (2). Last evaluated 2026-05-26.

Conditions:
Gastrointestinal stromal tumor. Also called: Gastrointestinal stroma tumor; Gastrointestinal stromal tumor, somatic. Identifiers: Orphanet 44890, MedGen C0238198, MeSH D046152, MONDO:0011719, OMIM 606764, HP:0100723.

Allele frequency attached by ClinVar (database versions not stated): gnomAD exomes below 0.00001; TOPMed 0.00001.
gnomAD v4.1: 2 of 1,614,184 alleles (0.00012%); highest among the groups gnomAD compares: Non-Finnish European, 0.00017%; no homozygotes.

Submissions (2):

Myriad Genetics, Inc.
Classification: Likely benign for Gastrointestinal stromal tumor. Last evaluated: 2026-05-26. Review status: criteria provided, single submitter. Criteria: Myriad Autosomal Dominant, Autosomal Recessive and X-Linked Classification Criteria (2023). Collection method: clinical testing. Allele origin: unknown.
Comment: This variant is considered likely benign. This variant is intronic and is not expected to impact mRNA splicing.

Labcorp Genetics (formerly Invitae), Labcorp
Classification: Likely benign for Gastrointestinal stromal tumor. Last evaluated: 2024-11-03. Review status: criteria provided, single submitter. Criteria: Invitae Variant Classification Sherloc (09022015). Collection method: clinical testing. Allele origin: germline.

NM_000222.3(KIT):c.337+7G>T

Gene: KIT (KIT proto-oncogene, receptor tyrosine kinase; plus strand). Cytogenetic location: 4q12.
Variant type: single nucleotide variant.
Coding change: c.337+7G>T on transcript NM_000222.3 (MANE Select); 7 bases into the intron after coding-DNA position 337, G replaced by T.
Molecular consequence: intron variant.
Genome position (GRCh38, 1-based): chr4:54,695,788, G>T. VCF-style: chr4-54695788-G-T. GRCh37 (hg19) VCF-style: chr4-55561954-G-T.
Other names: c.337+7G>T (NM_001385284.1, NM_001385290.1, NM_001385288.1 and 4 more transcripts).
Identifiers: ClinVar variation 1118052 (VCV001118052.10), dbSNP rs1720025665, ClinGen allele CA1458714539.